The following is an entry in ClinVar:

ClinVar aggregate classification (germline): Uncertain significance (1 of 4 stars; one submission).

Submission:

Women's Health and Genetics/Laboratory Corporation of America, LabCorp
Classification: Uncertain significance. Last evaluated: 2025-07-18. Review status: criteria provided, single submitter. Criteria: LabCorp Variant Classification Summary - May 2015. Collection method: clinical testing. Allele origin: germline.
Comment: Variant summary: The variant involves the duplication of exons 3-11 in the FUT8 gene. This duplication includes the entire coding sequence of the gene. As exact breakpoints are unknown, it may extend beyond the annotated region of the gene, to include other flanking genes. A presumed nomenclature of c.(-228+1_-227-1)_(*1712_?)dup has been designated for the purposes of this classification. The variant was absent in 21628 control chromosomes. The available data on variant occurrences in the general population are insufficient to allow any conclusion about variant significance. To our knowledge, no occurrence of c.(-228+1_-227-1)_(*1712_?)dup in individuals affected with Congenital Disorder Of Glycosylation With Defective Fucosylation and no experimental evidence demonstrating its impact on protein function have been reported. No submitters have cited clinical-significance assessments for this variant to ClinVar. Based on the evidence outlined above, the variant was classified as uncertain significance.

NC_000014.8:g.(65922437_66028054)_(66210840_?)dup

Gene: FUT8 (fucosyltransferase 8; plus strand). Cytogenetic location: 14q23.3.
Variant type: Duplication.
Identifiers: ClinVar variation 4525779 (VCV004525779.1).